The following is an entry in ClinVar:

NM_005050.4(ABCD4):c.826dup (p.Thr276fs)

Gene: ABCD4 (ATP binding cassette subfamily D member 4; minus strand). Cytogenetic location: 14q24.3.
Variant type: Duplication.
Coding change: c.826dup on transcript NM_005050.4 (MANE Select); coding-DNA position 826, one base duplicated (A; older notation c.826dupA).
Protein change: p.Thr276fs; shifts the reading frame from threonine 276.
Molecular consequence: frameshift variant. On other transcripts: non-coding transcript variant (10).
Genome position (GRCh38, 1-based): chr14:74,292,858, T duplicated on the plus strand (A on the coding strand, the reverse complement: ABCD4 is on the minus strand). VCF-style (leftmost placement, unchanged base first): chr14-74292857-G-GT. GRCh37 (hg19) VCF-style: chr14-74759560-G-GT.
Other names: c.700dup, p.Thr234fs (NM_001353591.2, NM_001353592.2); c.565dup, p.Thr189fs (NM_001353593.2); c.514dup, p.Thr172fs (NM_001353594.2); c.412dup, p.Thr138fs (NM_001353595.2, NM_001353596.2); c.361dup, p.Thr121fs (NM_001353597.2); c.349dup, p.Thr117fs (NM_001353598.2, NM_001353599.2, NM_001353600.2 and 3 more transcripts); c.37dup, p.Thr13fs (NM_001353602.2, NM_001353603.2, NM_001353604.2 and 6 more transcripts); c.826dup, p.Thr276fs (NM_001440752.1, NM_001440753.1, NM_020325.3); and 2 more; short protein forms T117fs, T121fs, T138fs, T13fs, T172fs, T185fs, T189fs, T234fs.
Identifiers: ClinVar variation 4845853 (VCV004845853.1).

ClinVar aggregate classification (germline): Likely pathogenic (1 of 4 stars; one submission).

Conditions:
Methylmalonic acidemia with homocystinuria, type cblJ (MAHCJ). Also called: METHYLMALONIC ACIDURIA AND HOMOCYSTINURIA, cblJ TYPE. Identifiers: Orphanet 369955, MedGen C3553915, MONDO:0013925, OMIM 614857.

Submission:

First Genomix Gene Laboratory, Genetic Diagnostics Department
Classification: Likely pathogenic for Methylmalonic acidemia with homocystinuria, type cblJ. Last evaluated: 2025-03-27. Review status: criteria provided, single submitter. Criteria: ACMG Guidelines, 2015. Collection method: clinical testing. Allele origin: germline. Inheritance: Autosomal recessive inheritance. Affected: no. Observed: 1 variant allele.